The following is an entry in ClinVar:

ClinVar aggregate classification (germline): Uncertain significance. Review status: criteria provided, single submitter (1 of 4 stars). 2 submissions from 2 submitters: Uncertain significance (1). 1 of the submissions does not count toward it. Last evaluated 2024-10-22.

Conditions:
Bloom syndrome (BLM). Also called: Bloom-Torre-Machacek syndrome. Identifiers: Orphanet 125, MedGen C0005859, MONDO:0008876, OMIM 210900.

Allele frequency attached by ClinVar (database versions not stated): gnomAD exomes below 0.00001; gnomAD 0.00001; TOPMed 0.00002; ESP Exome Variant Server 0.00008.
gnomAD v4.1: 3 of 1,613,864 alleles (0.00019%); highest among the groups gnomAD compares: African/African-American, 0.0027%; no homozygotes.

Submissions (2):

Labcorp Genetics (formerly Invitae), Labcorp
Classification: Uncertain significance for Bloom syndrome. Last evaluated: 2024-10-22. Review status: criteria provided, single submitter. Criteria: Invitae Variant Classification Sherloc (09022015). Collection method: clinical testing. Allele origin: germline.
Comment: This sequence change replaces lysine, which is basic and polar, with glutamic acid, which is acidic and polar, at codon 347 of the BLM protein (p.Lys347Glu). This variant is not present in population databases (gnomAD no frequency). This variant has not been reported in the literature in individuals affected with BLM-related conditions. ClinVar contains an entry for this variant (Variation ID: 861487). Invitae Evidence Modeling of protein sequence and biophysical properties (such as structural, functional, and spatial information, amino acid conservation, physicochemical variation, residue mobility, and thermodynamic stability) indicates that this missense variant is not expected to disrupt BLM protein function with a negative predictive value of 80%. In summary, the available evidence is currently insufficient to determine the role of this variant in disease. Therefore, it has been classified as a Variant of Uncertain Significance.

Natera, Inc.
Classification: Uncertain significance for Bloom syndrome. Last evaluated: 2020-09-16. Review status: no assertion criteria provided. Collection method: clinical testing. Allele origin: germline. Not counted in ClinVar's aggregate classification.

NM_000057.4(BLM):c.1039A>G (p.Lys347Glu)

Gene: BLM (BLM RecQ like helicase; plus strand). Cytogenetic location: 15q26.1.
Variant type: single nucleotide variant.
Coding change: c.1039A>G on transcript NM_000057.4 (MANE Select); coding-DNA position 1039, A replaced by G.
Protein change: p.Lys347Glu; replaces lysine 347 with glutamic acid.
Molecular consequence: missense variant. On other transcripts: 5 prime UTR variant (1).
Genome position (GRCh38, 1-based): chr15:90,754,890, A>G. VCF-style: chr15-90754890-A-G. GRCh37 (hg19) VCF-style: chr15-91298120-A-G.
Other names: c.1039A>G, p.Lys347Glu (NM_001287246.2, NM_001287247.2); c.-253A>G (NM_001287248.2); short protein forms K347E.
Identifiers: ClinVar variation 861487 (VCV000861487.9), dbSNP rs375250788, ClinGen allele CA274731650.